The following is an entry in ClinVar:

NM_015058.2(VWA8):c.4593A>G (p.Gln1531=)

Gene: VWA8 (von Willebrand factor A domain containing 8; minus strand). Cytogenetic location: 13q14.11.
Variant type: single nucleotide variant.
Coding change: c.4593A>G on transcript NM_015058.2 (MANE Select); coding-DNA position 4593, A replaced by G.
Protein change: p.Gln1531=; no amino-acid change (glutamine 1531 retained).
Molecular consequence: synonymous variant.
Genome position (GRCh38, 1-based): chr13:41,670,964, T>C on the plus strand (A>G on the coding strand, the complement: VWA8 is on the minus strand). VCF-style: chr13-41670964-T-C. GRCh37 (hg19) VCF-style: chr13-42245100-T-C.
Identifiers: ClinVar variation 2643781 (VCV002643781.24), dbSNP rs759122244, ClinGen allele CA6963340.

ClinVar aggregate classification (germline): Likely benign (1 of 4 stars; one submission).

Allele frequency attached by ClinVar (database versions not stated): gnomAD 0.00001; ExAC 0.00002; gnomAD exomes 0.00002; TOPMed 0.00002.
gnomAD v4.1: 28 of 1,613,850 alleles (0.0017%); highest among the groups gnomAD compares: Middle Eastern, 0.033%; no homozygotes.

Submission:

CeGaT Center for Human Genetics Tuebingen
Classification: Likely benign. Last evaluated: 2022-06-01. Review status: criteria provided, single submitter. Criteria: CeGaT Center For Human Genetics Tuebingen Variant Classification Criteria Version 2. Collection method: clinical testing. Allele origin: germline. Affected: yes. Observed: 1 variant allele.
Comment: VWA8: BP4, BP7